The following is an entry in ClinVar:

ClinVar aggregate classification (germline): Uncertain significance. Review status: criteria provided, single submitter (1 of 4 stars). 2 submissions from 2 submitters: Uncertain significance (1). 1 of the submissions does not count toward it. Last evaluated 2018-01-12.

Conditions:
Renal tubular acidosis, distal, 4, with hemolytic anemia. Also called: Renal Tubular Acidosis, Distal, with Hemolytic Anemia. Identifiers: Orphanet 93610, MedGen C5436235, MONDO:0012700, OMIM 611590.
Amelogenesis imperfecta hypomaturation type 2A3. Also called: Amelogenesis imperfecta, type IIA3. Identifiers: Orphanet 88661, MedGen C2750771, MONDO:0013181, OMIM 613211. Disease mechanism: loss of function.

Allele frequency attached by ClinVar (database versions not stated): gnomAD exomes below 0.00001; TOPMed below 0.00001.
gnomAD v4.1: 2 of 1,613,712 alleles (0.00012%); highest among the groups gnomAD compares: East Asian, 0.0045%; no homozygotes.

Submissions (2):

Illumina Laboratory Services, Illumina
Classification: Uncertain significance for Amelogenesis imperfecta hypomaturation type 2A3. Last evaluated: 2018-01-12. Review status: criteria provided, single submitter. Criteria: ICSL Variant Classification Criteria 13 December 2019. Collection method: clinical testing. Allele origin: germline.

Division of Molecular Medicine, Faculty of Medicine Siriraj Hospital, Mahidol University
Classification: Pathogenic for Renal tubular acidosis, distal, 4, with hemolytic anemia. Last evaluated: 2018-01-01. Review status: no assertion criteria provided. Collection method: research. Allele origin: somatic. Affected: yes. Observed: 3 variant alleles. Not counted in ClinVar's aggregate classification.
Comment: This variant was observed in compound heterozygosity with NM_182758.3:c.2522T>A and is pathogenic for autosomal recessive OMIM:611590. These variants were observed by whole exome sequencing and Sanger sequencing in three patients.

Literature cited by the submitters: PubMed 30028003 (cited by Division of Molecular Medicine, Faculty of Medicine Siriraj Hospital, Mahidol University).

NM_182758.4(WDR72):c.1777A>G (p.Arg593Gly)

Gene: WDR72 (WD repeat domain 72; minus strand). Cytogenetic location: 15q21.3.
Variant type: single nucleotide variant.
Coding change: c.1777A>G on transcript NM_182758.4 (MANE Select); coding-DNA position 1777, A replaced by G.
Protein change: p.Arg593Gly; replaces arginine 593 with glycine.
Molecular consequence: missense variant. On other transcripts: non-coding transcript variant (1).
Genome position (GRCh38, 1-based): chr15:53,665,757, T>C on the plus strand (A>G on the coding strand, the complement: WDR72 is on the minus strand). VCF-style: chr15-53665757-T-C. GRCh37 (hg19) VCF-style: chr15-53957954-T-C.
Other names: short protein forms R593G.
Identifiers: ClinVar variation 522608 (VCV000522608.7), dbSNP rs1376457227, ClinGen allele CA392529190.